The following is an entry in ClinVar:

NM_003476.5(CSRP3):c.149C>A (p.Ala50Glu)

Gene: CSRP3 (cysteine and glycine rich protein 3; minus strand). Cytogenetic location: 11p15.1.
Variant type: single nucleotide variant.
Coding change: c.149C>A on transcript NM_003476.5 (MANE Select); coding-DNA position 149, C replaced by A.
Protein change: p.Ala50Glu; replaces alanine 50 with glutamic acid.
Molecular consequence: missense variant. On other transcripts: intron variant (1).
Genome position (GRCh38, 1-based): chr11:19,188,268, G>T on the plus strand (C>A on the coding strand, the complement: CSRP3 is on the minus strand). VCF-style: chr11-19188268-G-T. GRCh37 (hg19) VCF-style: chr11-19209815-G-T.
Other names: c.113-1920C>A (NM_001369404.1); c.149C>A (NM_003476.3); short protein forms A50E.
Identifiers: ClinVar variation 934985 (VCV000934985.14), dbSNP rs139805841, ClinGen allele CA218633654.

ClinVar aggregate classification (germline): Uncertain significance. Review status: criteria provided, multiple submitters, no conflicts (2 of 4 stars). 5 submissions from 5 submitters: Uncertain significance (5). Last evaluated 2026-07-13.

Conditions:
Hypertrophic cardiomyopathy 12. Identifiers: MedGen C2677491, MONDO:0012804, OMIM 612124.
Dilated cardiomyopathy 1M (CMD1M). Identifiers: Orphanet 154, MedGen C1843808, MONDO:0011840, OMIM 607482.
Cardiovascular phenotype. Identifiers: MedGen CN230736.

Allele frequency attached by ClinVar (database versions not stated): TOPMed 0.00002.

Submissions (5):

Ambry Genetics
Classification: Uncertain significance for Cardiovascular phenotype. Last evaluated: 2026-07-13. Review status: criteria provided, single submitter. Criteria: Ambry Variant Classification Scheme 2023. Collection method: clinical testing. Allele origin: germline.
Comment: The p.A50E variant (also known as c.149C>A), located in coding exon 2 of the CSRP3 gene, results from a C to A substitution at nucleotide position 149. The alanine at codon 50 is replaced by glutamic acid, an amino acid with dissimilar properties. This variant was reported in a sudden infant death cohort (K&ouml;ffer J et al. Int J Legal Med, 2021 Jan;135:207-212). This amino acid position is highly conserved in available vertebrate species. In addition, this alteration is predicted to be deleterious by in silico analysis. Based on the available evidence, the clinical significance of this variant remains unclear.

Labcorp Genetics (formerly Invitae), Labcorp
Classification: Uncertain significance for Hypertrophic cardiomyopathy 12; Dilated cardiomyopathy 1M. Last evaluated: 2025-08-31. Review status: criteria provided, single submitter. Criteria: Invitae Variant Classification Sherloc (09022015). Collection method: clinical testing. Allele origin: germline.
Comment: This sequence change replaces alanine, which is neutral and non-polar, with glutamic acid, which is acidic and polar, at codon 50 of the CSRP3 protein (p.Ala50Glu). The frequency data for this variant in the population databases is considered unreliable, as metrics indicate poor data quality at this position in the gnomAD database. This missense change has been observed in individual(s) with sudden infant death syndrome (PMID: 32789579). ClinVar contains an entry for this variant (Variation ID: 934985). An algorithm developed to predict the effect of missense changes on protein structure and function (PolyPhen-2) suggests that this variant is likely to be disruptive. In summary, the available evidence is currently insufficient to determine the role of this variant in disease. Therefore, it has been classified as a Variant of Uncertain Significance.

AiLife Diagnostics
Classification: Uncertain significance. Last evaluated: 2021-09-22. Review status: criteria provided, single submitter. Criteria: ACMG Guidelines, 2015. Collection method: clinical testing. Allele origin: germline. Affected: yes. Observed: 1 variant allele.

Fulgent Genetics
Classification: Uncertain significance for Dilated cardiomyopathy 1M; Hypertrophic cardiomyopathy 12. Last evaluated: 2021-08-11. Review status: criteria provided, single submitter. Criteria: ACMG Guidelines, 2015. Collection method: clinical testing. Allele origin: unknown.

GeneDx
Classification: Uncertain significance. Last evaluated: 2019-06-04. Review status: criteria provided, single submitter. Criteria: GeneDx Variant Classification Process June 2021. Collection method: clinical testing. Allele origin: germline. Affected: yes.
Comment: Has not been previously published as pathogenic or benign to our knowledge; Not observed at a significant frequency in large population cohorts (Lek et al., 2016); In silico analysis, which includes protein predictors and evolutionary conservation, supports that this variant does not alter protein structure/function; This variant is associated with the following publications: (PMID: 32789579)

Literature cited by the submitters: PubMed 32789579 (cited by 3 submitters).